The following is an entry in ClinVar:

ClinVar aggregate classification (germline): Benign. Review status: criteria provided, multiple submitters, no conflicts (2 of 4 stars). 2 submissions from 2 submitters: Benign (2). Last evaluated 2018-06-19.

Allele frequency attached by ClinVar (database versions not stated): gnomAD exomes 0.07188; 1000 Genomes Project 0.07208; 1000 Genomes Project 30x 0.07370; gnomAD 0.08829 and 0.09221; TOPMed 0.09074.
gnomAD v4.1: 109,909 of 1,491,022 alleles (7.4%); highest among the groups gnomAD compares: African/African-American, 14%; 4,499 homozygotes.

Submissions (2):

GeneDx
Classification: Benign. Last evaluated: 2018-06-19. Review status: criteria provided, single submitter. Criteria: GeneDx Variant Classification (06012015). Collection method: clinical testing. Allele origin: germline. Affected: yes.
Comment: This variant is considered likely benign or benign based on one or more of the following criteria: it is a conservative change, it occurs at a poorly conserved position in the protein, it is predicted to be benign by multiple in silico algorithms, and/or has population frequency not consistent with disease.

Breakthrough Genomics
Classification: Benign. Review status: criteria provided, single submitter. Criteria: ACMG Guidelines, 2015. Collection method: not provided. Allele origin: germline. Inheritance: Autosomal dominant inheritance. Affected: yes.

NM_033118.4(MYLK2):c.473+86T>C

Gene: MYLK2 (myosin light chain kinase 2; plus strand). Cytogenetic location: 20q11.21.
Variant type: single nucleotide variant.
Coding change: c.473+86T>C on transcript NM_033118.4 (MANE Select); 86 bases into the intron after coding-DNA position 473, T replaced by C.
Molecular consequence: intron variant.
Genome position (GRCh38, 1-based): chr20:31,820,632, T>C. VCF-style: chr20-31820632-T-C. GRCh37 (hg19) VCF-style: chr20-30408435-T-C.
Identifiers: ClinVar variation 672787 (VCV000672787.2), dbSNP rs12480305, ClinGen allele CA313849829.